The following is an entry in ClinVar:

ClinVar aggregate classification (germline): Pathogenic. Review status: criteria provided, multiple submitters, no conflicts (2 of 4 stars). 5 submissions from 5 submitters: Pathogenic (5). Last evaluated 2023-08-02.

Conditions:
Cardiovascular phenotype. Identifiers: MedGen CN230736.
Hereditary hemorrhagic telangiectasia (HHT). Also called: ORW DISEASE; Osler Weber Rendu syndrome; OSLER-RENDU-WEBER DISEASE; Osler hemorrhagic telangiectasia syndrome. Identifiers: Orphanet 774, MedGen C0039445, MONDO:0019180. Disease mechanism: loss of function.
Telangiectasia, hereditary hemorrhagic, type 1 (HHT1). Also called: Osler Weber Rendu syndrome type 1; ENG-Related Hereditary Hemorrhagic Telangiectasia. Identifiers: Orphanet 774, MedGen C4551861, MONDO:0008535, OMIM 187300. Disease mechanism: loss of function.

Allele frequency attached by ClinVar (database versions not stated): gnomAD exomes below 0.00001.

Submissions (5):

Labcorp Genetics (formerly Invitae), Labcorp
Classification: Pathogenic for Hereditary hemorrhagic telangiectasia. Last evaluated: 2023-08-02. Review status: criteria provided, single submitter. Criteria: Invitae Variant Classification Sherloc (09022015). Collection method: clinical testing. Allele origin: germline.
Comment: For these reasons, this variant has been classified as Pathogenic. ClinVar contains an entry for this variant (Variation ID: 407131). Disruption of the initiator codon has been observed in individuals with hereditary haemorrhagic telangiectasia (PMID: 15517393, 16429404, 32573726; Invitae). This variant is not present in population databases (gnomAD no frequency). This sequence change affects the initiator methionine of the ENG mRNA. The next in-frame methionine is located at codon 183.

Greenwood Genetic Center Diagnostic Laboratories, Greenwood Genetic Center
Classification: Pathogenic for Telangiectasia, hereditary hemorrhagic, type 1. Last evaluated: 2022-09-29. Review status: criteria provided, single submitter. Criteria: ACMG Guidelines, 2015. Collection method: clinical testing. Allele origin: germline. Affected: yes.
Comment: PVS1, PM2, PS4_moderate

Ambry Genetics
Classification: Pathogenic for Cardiovascular phenotype. Last evaluated: 2020-07-30. Review status: criteria provided, single submitter. Criteria: Ambry Variant Classification Scheme 2023. Collection method: clinical testing. Allele origin: germline.
Comment: The p.M1? pathogenic mutation (also known as c.1A>G and p.M1V) is located in coding exon 1 of the ENG gene and results from an A to G substitution at nucleotide position 1. This alters the methionine residue at the initiation codon (ATG). This alteration has been identified in multiple individuals with hereditary hemorrhagic telangiectasia, most of whom meet Cura&ccedil;ao criteria (Letteboer TG et al. Hum Genet. 2005; 116(1-2):8-16; Lenato GM et al. Hum Mutat. 2006; 27(2):213-4; Gedge F et al. J Mol Diagn. 2007; 9(2):258-65; Curie A et al. J. Pediatr. 2007; 151(3):299-306; Calhoun AR et al. J Neurosurg Pediatr 2012; 9(6):654-9; Eli I et al. J Clin Neurosci 2018; 50:51-57; Gamboa NT et al. J Clin Neurosci 2018; 51:22-28). In addition to the clinical data presented in the literature, sequence variations that modify the initiation codon are expected to result in either loss of translation initiation, N-terminal truncation, or cause a shift in the mRNA reading frame. Based on the supporting evidence, this alteration is interpreted as a disease-causing mutation.

NIHR Bioresource Rare Diseases, University of Cambridge
Classification: Pathogenic for Telangiectasia, hereditary hemorrhagic, type 1. Last evaluated: 2018-01-01. Review status: criteria provided, single submitter. Criteria: ACMG Guidelines, 2015. Collection method: research. Allele origin: unknown. Affected: yes. Observed: 2 variant alleles.
Comment: PVS1+PM2+PP4

ARUP Laboratories, Molecular Genetics and Genomics, ARUP Laboratories
Classification: Pathogenic. Last evaluated: 2017-04-17. Review status: criteria provided, single submitter. Criteria: ARUP Molecular Germline Variant Investigation Process. Collection method: clinical testing. Allele origin: germline.

Literature cited by the submitters: PubMed 15517393 (cited by Labcorp Genetics (formerly Invitae), Labcorp and Ambry Genetics); PubMed 16429404 (cited by Labcorp Genetics (formerly Invitae), Labcorp and Ambry Genetics); PubMed 32573726 (cited by Labcorp Genetics (formerly Invitae), Labcorp and NIHR Bioresource Rare Diseases, University of Cambridge); PubMed 17384219 (cited by Ambry Genetics); PubMed 17719943 (cited by Ambry Genetics); PubMed 22656258 (cited by Ambry Genetics); PubMed 29398197 (cited by Ambry Genetics); PubMed 29483005 (cited by Ambry Genetics).

NM_001114753.3(ENG):c.1A>G (p.Met1Val)

Gene: ENG (endoglin; minus strand). Cytogenetic location: 9q34.11.
Variant type: single nucleotide variant.
Coding change: c.1A>G on transcript NM_001114753.3 (MANE Select); coding-DNA position 1, A replaced by G.
Protein change: p.Met1Val; changes the start codon (methionine 1).
Molecular consequence: missense variant, initiator codon variant.
Genome position (GRCh38, 1-based): chr9:127,854,355, T>C on the plus strand (A>G on the coding strand, the complement: ENG is on the minus strand). VCF-style: chr9-127854355-T-C. GRCh37 (hg19) VCF-style: chr9-130616634-T-C.
Other names: c.1A>G, p.Met1Val (NM_000118.4, NM_001406715.1); short protein forms M1V.
Identifiers: ClinVar variation 407131 (VCV000407131.24), dbSNP rs1060501418, ClinGen allele CA16612719.